The following is an entry in ClinVar:

ClinVar aggregate classification (germline): Benign/Likely benign. Review status: criteria provided, multiple submitters, no conflicts (2 of 4 stars). 6 submissions from 6 submitters: Benign (1); Likely benign (2). 3 of the submissions do not count toward it. Last evaluated 2024-01-01.

Conditions:
Inborn genetic diseases. Identifiers: MedGen C0950123, MeSH D030342.

Allele frequency attached by ClinVar (database versions not stated): gnomAD 0.00030 and 0.00035; ExAC 0.00034; TOPMed 0.00037; gnomAD exomes 0.00044; ESP Exome Variant Server 0.00057.
gnomAD v4.1: 954 of 1,200,978 alleles (0.079%); highest among the groups gnomAD compares: Non-Finnish European, 0.1%; 1 homozygote.

Submissions (6):

CeGaT Center for Human Genetics Tuebingen
Classification: Likely benign. Last evaluated: 2024-01-01. Review status: criteria provided, single submitter. Criteria: CeGaT Center For Human Genetics Tuebingen Variant Classification Criteria Version 2. Collection method: clinical testing. Allele origin: germline. Affected: yes. Observed: 3 variant alleles.
Comment: PTCHD1: BP4, BS2

GeneDx
Classification: Benign. Last evaluated: 2020-11-04. Review status: criteria provided, single submitter. Criteria: GeneDx Variant Classification Process June 2021. Collection method: clinical testing. Allele origin: germline. Affected: yes.

Ambry Genetics
Classification: Likely benign for Inborn genetic diseases. Last evaluated: 2017-11-30. Review status: criteria provided, single submitter. Criteria: Ambry Variant Classification Scheme 2023. Collection method: clinical testing. Allele origin: germline.

Diagnostic Laboratory, Department of Genetics, University Medical Center Groningen
Classification: Likely benign. Review status: no assertion criteria provided. Collection method: clinical testing. Allele origin: germline. Affected: yes. Study: VKGL Data-share Consensus. Not counted in ClinVar's aggregate classification.

Genome Diagnostics Laboratory, University Medical Center Utrecht
Classification: Benign. Review status: no assertion criteria provided. Collection method: clinical testing. Allele origin: germline. Affected: yes. Study: VKGL Data-share Consensus. Not counted in ClinVar's aggregate classification.

Laboratory of Diagnostic Genome Analysis, Leiden University Medical Center (LUMC)
Classification: Likely benign. Review status: no assertion criteria provided. Collection method: clinical testing. Allele origin: germline. Affected: yes. Study: VKGL Data-share Consensus. Not counted in ClinVar's aggregate classification.

NM_173495.3(PTCHD1):c.1012+5T>C

Gene: PTCHD1 (patched domain containing 1; plus strand). Cytogenetic location: Xp22.11.
Variant type: single nucleotide variant.
Coding change: c.1012+5T>C on transcript NM_173495.3 (MANE Select); 5 bases into the intron after coding-DNA position 1012, T replaced by C.
Molecular consequence: intron variant.
Genome position (GRCh38, 1-based): chrX:23,380,256, T>C. VCF-style: chrX-23380256-T-C. GRCh37 (hg19) VCF-style: chrX-23398373-T-C.
Identifiers: ClinVar variation 1174841 (VCV001174841.32), dbSNP rs201933353, ClinGen allele CA10369096.